The following is an entry in ClinVar:

NM_002907.4(RECQL):c.350G>T (p.Gly117Val)

Gene: RECQL (RecQ like helicase; minus strand). Cytogenetic location: 12p12.1.
Variant type: single nucleotide variant.
Coding change: c.350G>T on transcript NM_002907.4 (MANE Select); coding-DNA position 350, G replaced by T.
Protein change: p.Gly117Val; replaces glycine 117 with valine.
Molecular consequence: missense variant.
Genome position (GRCh38, 1-based): chr12:21,490,243, C>A on the plus strand (G>T on the coding strand, the complement: RECQL is on the minus strand). VCF-style: chr12-21490243-C-A. GRCh37 (hg19) VCF-style: chr12-21643177-C-A.
Other names: c.350G>T, p.Gly117Val (NM_032941.3); short protein forms G117V.
Identifiers: ClinVar variation 3431796 (VCV003431796.1).

ClinVar aggregate classification (germline): Uncertain significance (1 of 4 stars; one submission).

gnomAD v4.1: 1 of 1,612,928 alleles (0.000062%); highest among the groups gnomAD compares: Non-Finnish European, 0.000085%; no homozygotes.

Submission:

Ambry Genetics
Classification: Uncertain significance. Last evaluated: 2024-09-12. Review status: criteria provided, single submitter. Criteria: Ambry Variant Classification Scheme 2023. Collection method: clinical testing. Allele origin: germline.
Comment: The p.G117V variant (also known as c.350G>T), located in coding exon 3 of the RECQL gene, results from a G to T substitution at nucleotide position 350. The glycine at codon 117 is replaced by valine, an amino acid with dissimilar properties. This amino acid position is conserved. In addition, this alteration is predicted to be tolerated by in silico analysis. Based on the available evidence, the clinical significance of this variant remains unclear.